The following is an entry in ClinVar:

ClinVar aggregate classification (germline): Uncertain significance. Review status: criteria provided, multiple submitters, no conflicts (2 of 4 stars). 2 submissions from 2 submitters: Uncertain significance (2). Last evaluated 2025-02-23.

Conditions:
Inborn genetic diseases. Identifiers: MedGen C0950123, MeSH D030342.

Allele frequency attached by ClinVar (database versions not stated): TOPMed 0.00001; ExAC 0.00002; gnomAD exomes 0.00002; gnomAD 0.00004.
gnomAD v4.1: 28 of 1,602,136 alleles (0.0017%); highest among the groups gnomAD compares: African/African-American, 0.012%; no homozygotes.

Submissions (3):

Ambry Genetics
Classification: Uncertain significance for Inborn genetic diseases. Last evaluated: 2025-02-23. Review status: criteria provided, single submitter. Criteria: Ambry Variant Classification Scheme 2023. Collection method: clinical testing. Allele origin: germline.

Labcorp Genetics (formerly Invitae), Labcorp
Classification: Uncertain significance. Last evaluated: 2023-01-21. Review status: criteria provided, single submitter. Criteria: Invitae Variant Classification Sherloc (09022015). Collection method: clinical testing. Allele origin: germline.
Comment: In summary, the available evidence is currently insufficient to determine the role of this variant in disease. Therefore, it has been classified as a Variant of Uncertain Significance. Algorithms developed to predict the effect of missense changes on protein structure and function (SIFT, PolyPhen-2, Align-GVGD) all suggest that this variant is likely to be disruptive. This variant has not been reported in the literature in individuals affected with GFM2-related conditions. This variant is present in population databases (rs780917501, gnomAD 0.01%). This sequence change replaces glycine, which is neutral and non-polar, with arginine, which is basic and polar, at codon 95 of the GFM2 protein (p.Gly95Arg).

Dr. Peter K. Rogan Lab, Western University
No classification provided (evidence only). Condition: Colon adenocarcinoma. Review status: no classification provided. Collection method: in vitro. Allele origin: not applicable. Functional consequence: skipped exon. Not counted in ClinVar's aggregate classification.

NM_032380.5(GFM2):c.283G>A (p.Gly95Arg)

Gene: GFM2 (GTP dependent ribosome recycling factor mitochondrial 2; minus strand). Cytogenetic location: 5q13.3.
Variant type: single nucleotide variant.
Coding change: c.283G>A on transcript NM_032380.5 (MANE Select); coding-DNA position 283, G replaced by A.
Protein change: p.Gly95Arg; replaces glycine 95 with arginine.
Molecular consequence: missense variant. On other transcripts: non-coding transcript variant (1).
Genome position (GRCh38, 1-based): chr5:74,758,870, C>T on the plus strand (G>A on the coding strand, the complement: GFM2 is on the minus strand). VCF-style: chr5-74758870-C-T. GRCh37 (hg19) VCF-style: chr5-74054695-C-T.
Other names: c.379G>A, p.Gly127Arg (NM_001281302.2); c.283G>A, p.Gly95Arg (NM_170681.3, NM_170691.3); short protein forms G127R, G95R.
Identifiers: ClinVar variation 1923307 (VCV001923307.8), dbSNP rs780917501, ClinGen allele CA3306869.
Genomic context (GRCh38, chr5:74,758,870, plus strand): 5'-GCTAATGGGGGGGTGGGAAGAGGAGGAATCCATTCTAACCTCCCAGTGATCTTGTATATC[C>T]GGAATAGTACAATATTCTTTCTGTGGTGGTAGTTTTGCCTGCATCAATATGAGCCATAAT-3'
Protein context (NP_115756.2, residues 85-105): TTTERILYYS[Gly95Arg]YTRSLGDVDD